The following is an entry in ClinVar:

NM_004304.5(ALK):c.958T>C (p.Phe320Leu)

Gene: ALK (ALK receptor tyrosine kinase; minus strand). Cytogenetic location: 2p23.2.
Variant type: single nucleotide variant.
Coding change: c.958T>C on transcript NM_004304.5 (MANE Select); coding-DNA position 958, T replaced by C.
Protein change: p.Phe320Leu; replaces phenylalanine 320 with leucine.
Molecular consequence: missense variant.
Genome position (GRCh38, 1-based): chr2:29,532,111, A>G on the plus strand (T>C on the coding strand, the complement: ALK is on the minus strand). VCF-style: chr2-29532111-A-G. GRCh37 (hg19) VCF-style: chr2-29754977-A-G.
Other names: short protein forms F320L.
Identifiers: ClinVar variation 3223934 (VCV003223934.1), dbSNP rs2465284618, ClinGen allele CA346587581.

ClinVar aggregate classification (germline): Uncertain significance (1 of 4 stars; one submission).

Conditions:
Hereditary cancer-predisposing syndrome. Also called: Tumor predisposition; Hereditary neoplastic syndrome; Hereditary Cancer Syndrome; Neoplastic Syndromes, Hereditary. Identifiers: Orphanet 140162, MedGen C0027672, MeSH D009386, MONDO:0015356.

Submission:

Ambry Genetics
Classification: Uncertain significance for Hereditary cancer-predisposing syndrome. Last evaluated: 2023-09-17. Review status: criteria provided, single submitter. Criteria: Ambry Variant Classification Scheme 2023. Collection method: clinical testing. Allele origin: germline.
Comment: The p.F320L variant (also known as c.958T>C), located in coding exon 4 of the ALK gene, results from a T to C substitution at nucleotide position 958. The phenylalanine at codon 320 is replaced by leucine, an amino acid with highly similar properties. This amino acid position is conserved. In addition, this alteration is predicted to be tolerated by in silico analysis. Since supporting evidence is limited at this time, the clinical significance of this alteration remains unclear.